The following is an entry in ClinVar:

ClinVar aggregate classification (germline): Pathogenic (1 of 4 stars; one submission).

Submission:

GeneDx
Classification: Pathogenic. Last evaluated: 2025-09-04. Review status: criteria provided, single submitter. Criteria: GeneDx Variant Classification Process June 2021. Collection method: clinical testing. Allele origin: germline. Affected: yes.
Comment: Canonical splice site variant predicted to result in a null allele in a gene for which loss of function is a known mechanism of disease; Not observed at significant frequency in large population cohorts (gnomAD); Has not been previously published as pathogenic or benign to our knowledge

NM_152641.4(ARID2):c.285-2A>G

Gene: ARID2 (AT-rich interaction domain 2; plus strand). Cytogenetic location: 12q12.
Variant type: single nucleotide variant.
Coding change: c.285-2A>G on transcript NM_152641.4 (MANE Select); the canonical splice acceptor site of the intron before coding-DNA position 285, A replaced by G.
Molecular consequence: splice acceptor variant.
Genome position (GRCh38, 1-based): chr12:45,811,416, A>G. VCF-style: chr12-45811416-A-G. GRCh37 (hg19) VCF-style: chr12-46205199-A-G.
Other names: c.285-2A>G (NM_001347839.2).
Identifiers: ClinVar variation 4813371 (VCV004813371.1).